The following is an entry in ClinVar:

ClinVar aggregate classification (germline): Likely benign. Review status: criteria provided, single submitter (1 of 4 stars). 2 submissions from 2 submitters: Likely benign (1). 1 of the submissions does not count toward it. Last evaluated 2023-10-28.

Conditions:
PCNT-related disorder. Also called: PCNT-related condition.

Allele frequency attached by ClinVar (database versions not stated): TOPMed below 0.00001; gnomAD 0.00001; gnomAD exomes 0.00001; ExAC 0.00002.
gnomAD v4.1: 18 of 1,614,020 alleles (0.0011%); highest among the groups gnomAD compares: South Asian, 0.018%; no homozygotes.

Submissions (2):

Labcorp Genetics (formerly Invitae), Labcorp
Classification: Likely benign. Last evaluated: 2023-10-28. Review status: criteria provided, single submitter. Criteria: Invitae Variant Classification Sherloc (09022015). Collection method: clinical testing. Allele origin: germline.

PreventionGenetics, part of Exact Sciences
Classification: Likely benign for PCNT-related condition. Last evaluated: 2022-07-05. Review status: no assertion criteria provided. Collection method: clinical testing. Allele origin: germline. Not counted in ClinVar's aggregate classification.
Comment: This variant is classified as likely benign based on ACMG/AMP sequence variant interpretation guidelines (Richards et al. 2015 PMID: 25741868, with internal and published modifications).

NM_006031.6(PCNT):c.8637C>T (p.His2879=)

Gene: PCNT (pericentrin; plus strand). Cytogenetic location: 21q22.3.
Variant type: single nucleotide variant.
Coding change: c.8637C>T on transcript NM_006031.6 (MANE Select); coding-DNA position 8637, C replaced by T.
Protein change: p.His2879=; no amino-acid change (histidine 2879 retained).
Molecular consequence: synonymous variant. On other transcripts: intron variant (1).
Genome position (GRCh38, 1-based): chr21:46,432,101, C>T. VCF-style: chr21-46432101-C-T. GRCh37 (hg19) VCF-style: chr21-47852015-C-T.
Other names: c.8160+123C>T (NM_001315529.2); c.8637C>T (NM_006031.5).
Identifiers: ClinVar variation 2960581 (VCV002960581.4), dbSNP rs773750552, ClinGen allele CA10081014.
Genomic context (GRCh38, chr21:46,432,101, plus strand): 5'-CTCTCTGGAGAGAGAGAGGGAGAAACCAGCGTGGTTGCAGGCAGAATTAGAGCAGTCACA[C>T]CCACGGTTGAAAGAGCAAGAAGGACGCAAGGCTGCGAGGAGGAGCGCGGAGGCCAGGCAG-3'
Protein context (NP_006022.3, residues 2869-2889): AWLQAELEQS[His2879=]PRLKEQEGRK